The following is an entry in ClinVar:

ClinVar aggregate classification (germline): Uncertain significance (1 of 4 stars; one submission).

Allele frequency attached by ClinVar (database versions not stated): gnomAD exomes below 0.00001 and 0.00001; ExAC 0.00001; gnomAD 0.00001; TOPMed 0.00001.
gnomAD v4.1: 6 of 1,606,306 alleles (0.00037%); highest among the groups gnomAD compares: South Asian, 0.0011%; no homozygotes.

Submission:

Labcorp Genetics (formerly Invitae), Labcorp
Classification: Uncertain significance. Last evaluated: 2025-09-22. Review status: criteria provided, single submitter. Criteria: Invitae Variant Classification Sherloc (09022015). Collection method: clinical testing. Allele origin: germline.
Comment: This sequence change replaces alanine, which is neutral and non-polar, with threonine, which is neutral and polar, at codon 291 of the CARD8 protein (p.Ala291Thr). This variant is present in population databases (rs773369968, gnomAD 0.007%). This variant has not been reported in the literature in individuals affected with CARD8-related conditions. ClinVar contains an entry for this variant (Variation ID: 1464067). An algorithm developed to predict the effect of missense changes on protein structure and function (PolyPhen-2) suggests that this variant is likely to be tolerated. In summary, the available evidence is currently insufficient to determine the role of this variant in disease. Therefore, it has been classified as a Variant of Uncertain Significance.

NM_001184900.3(CARD8):c.1021G>A (p.Ala341Thr)

Gene: CARD8 (caspase recruitment domain family member 8; minus strand). Cytogenetic location: 19q13.33.
Variant type: single nucleotide variant.
Coding change: c.1021G>A on transcript NM_001184900.3 (MANE Select); coding-DNA position 1021, G replaced by A.
Protein change: p.Ala341Thr; replaces alanine 341 with threonine.
Molecular consequence: missense variant. On other transcripts: non-coding transcript variant (4).
Genome position (GRCh38, 1-based): chr19:48,230,452, C>T on the plus strand (G>A on the coding strand, the complement: CARD8 is on the minus strand). VCF-style: chr19-48230452-C-T. GRCh37 (hg19) VCF-style: chr19-48733709-C-T.
Other names: c.871G>A, p.Ala291Thr (NM_001184901.1, NM_001351783.2, NM_001351788.2 and 2 more transcripts); c.1021G>A, p.Ala341Thr (NM_001184902.2, NM_001184903.1, NM_001351782.2); c.706G>A, p.Ala236Thr (NM_001351784.2, NM_001351787.2, NM_001351791.2 and 1 more transcripts); c.685G>A, p.Ala229Thr (NM_001351786.2); c.778G>A, p.Ala260Thr (NM_001351790.2); c.703G>A, p.Ala235Thr (NM_001365950.1); short protein forms A236T, A235T, A341T, A229T, A260T, A291T.
Identifiers: ClinVar variation 1464067 (VCV001464067.8), dbSNP rs773369968, ClinGen allele CA9547839.